The following is an entry in ClinVar:

NM_001385079.1(PDE10A):c.1105C>T (p.Gln369Ter)

Gene: PDE10A (phosphodiesterase 10A; minus strand). Cytogenetic location: 6q27.
Variant type: single nucleotide variant.
Coding change: c.1105C>T on transcript NM_001385079.1 (MANE Select); coding-DNA position 1105, C replaced by T.
Protein change: p.Gln369Ter; replaces glutamine 369 with a stop codon.
Molecular consequence: nonsense.
Genome position (GRCh38, 1-based): chr6:165,450,281, G>A on the plus strand (C>T on the coding strand, the complement: PDE10A is on the minus strand). VCF-style: chr6-165450281-G-A. GRCh37 (hg19) VCF-style: chr6-165863769-G-A.
Other names: c.307C>T, p.Gln103Ter (NM_001130690.3); c.277C>T, p.Gln93Ter (NM_006661.4); short protein forms Q103*, Q369*, Q93*.
Identifiers: ClinVar variation 2085833 (VCV002085833.4), dbSNP rs1362402814, ClinGen allele CA366483448.
Genomic context (GRCh38, chr6:165,450,281, plus strand): 5'-GGAACACAAAATGCTTCTTACCTATTTTAATGATGCTGCTCAGTTCATAGAGGAGTAGCT[G>A]GTTGTCTCCTCCTGTGTCCAACCGTTGTTCTATATAGCTGTTTAGTTCATATACAACTCC-3'

ClinVar aggregate classification (germline): Uncertain significance (1 of 4 stars; one submission).

Allele frequency attached by ClinVar (database versions not stated): TOPMed below 0.00001; gnomAD 0.00001.
gnomAD v4.1: 1 of 1,604,292 alleles (0.000062%); highest among the groups gnomAD compares: African/African-American, 0.0013%; no homozygotes.

Submission:

Labcorp Genetics (formerly Invitae), Labcorp
Classification: Uncertain significance. Last evaluated: 2022-03-15. Review status: criteria provided, single submitter. Criteria: Invitae Variant Classification Sherloc (09022015). Collection method: clinical testing. Allele origin: germline.
Comment: This sequence change creates a premature translational stop signal (p.Gln103*) in the PDE10A gene. It is expected to result in an absent or disrupted protein product. However, the current clinical and genetic evidence is not sufficient to establish whether loss-of-function variants in PDE10A cause disease. This variant is present in population databases (no rsID available, gnomAD 0.01%). This variant has not been reported in the literature in individuals affected with PDE10A-related conditions. In summary, the available evidence is currently insufficient to determine the role of this variant in disease. Therefore, it has been classified as a Variant of Uncertain Significance.